The following is an entry in ClinVar:

ClinVar aggregate classification (germline): Uncertain significance (1 of 4 stars; one submission).

Conditions:
Leukocyte adhesion deficiency 3. Also called: INTEGRIN ACTIVATION DEFICIENCY DISEASE; LEUKOCYTE ADHESION DEFICIENCY 1 VARIANT; Leukocyte adhesion deficiency, type III. Identifiers: Orphanet 2968, Orphanet 99844, MedGen C2748536, MONDO:0013016, OMIM 612840.

Allele frequency attached by ClinVar (database versions not stated): ExAC 0.00001; gnomAD 0.00001; gnomAD exomes 0.00001; TOPMed 0.00004; ESP Exome Variant Server 0.00008.
gnomAD v4.1: 26 of 1,614,032 alleles (0.0016%); highest among the groups gnomAD compares: African/African-American, 0.0053%; no homozygotes.

Submission:

Labcorp Genetics (formerly Invitae), Labcorp
Classification: Uncertain significance for Leukocyte adhesion deficiency 3. Last evaluated: 2021-09-19. Review status: criteria provided, single submitter. Criteria: Invitae Variant Classification Sherloc (09022015). Collection method: clinical testing. Allele origin: germline.
Comment: In summary, the available evidence is currently insufficient to determine the role of this variant in disease. Therefore, it has been classified as a Variant of Uncertain Significance. Algorithms developed to predict the effect of missense changes on protein structure and function are either unavailable or do not agree on the potential impact of this missense change (SIFT: "Deleterious"; PolyPhen-2: "Possibly Damaging"; Align-GVGD: "Class C0"). This variant has not been reported in the literature in individuals affected with FERMT3-related conditions. This variant is present in population databases (rs139416960, ExAC 0.01%). This sequence change replaces aspartic acid with asparagine at codon 258 of the FERMT3 protein (p.Asp258Asn). The aspartic acid residue is highly conserved and there is a small physicochemical difference between aspartic acid and asparagine.

NM_031471.6(FERMT3):c.772G>A (p.Asp258Asn)

Gene: FERMT3 (FERM domain containing kindlin 3; plus strand). Cytogenetic location: 11q13.1.
Variant type: single nucleotide variant.
Coding change: c.772G>A on transcript NM_031471.6 (MANE Select); coding-DNA position 772, G replaced by A.
Protein change: p.Asp258Asn; replaces aspartic acid 258 with asparagine.
Molecular consequence: missense variant.
Genome position (GRCh38, 1-based): chr11:64,211,733, G>A. VCF-style: chr11-64211733-G-A. GRCh37 (hg19) VCF-style: chr11-63979205-G-A.
Other names: c.772G>A, p.Asp258Asn (NM_001382361.1, NM_001382362.1, NM_001382448.1 and 1 more transcripts); c.232G>A, p.Asp78Asn (NM_001382363.1, NM_001382364.1); short protein forms D258N, D78N.
Identifiers: ClinVar variation 1361189 (VCV001361189.4), dbSNP rs139416960, ClinGen allele CA6068884.
Genomic context (GRCh38, chr11:64,211,733, plus strand): 5'-CAGCAGGGCATCAAGGCCGGGGACGCACTCTGGCTGCGCTTCAAGTACTACAGCTTCTTC[G>A]ATTTGGATCCCAAGGTGGGTCGGGGCAGGGAGAAAGCGGGCCTCAGGTCCATGAGATGTG-3'
Protein context (NP_113659.3, residues 248-268): WLRFKYYSFF[Asp258Asn]LDPKTDPVRL